The following is an entry in ClinVar:

ClinVar aggregate classification (germline): Likely pathogenic (1 of 4 stars; one submission).

Conditions:
Glycine encephalopathy. Also called: Nonketotic hyperglycinemia; Non-ketotic hyperglycinemia. Identifiers: Orphanet 407, MedGen C0751748, MONDO:0011612, HP:0008288.

Submission:

Natera, Inc.
Classification: Likely pathogenic for Non-ketotic hyperglycinemia. Last evaluated: 2025-09-30. Review status: criteria provided, single submitter. Criteria: Natera Variant Classification Schema (03/2026). Collection method: clinical testing. Allele origin: germline.
Comment: The c.2820_2824del variant in GLDC is a frameshift variant predicted to shift the reading frame beginning at codon 941 and leads to a stop codon 48 codons downstream. This variant is expected to result in nonsense mediated decay, truncation, or a dysfunctional protein product. This variant is rare in the general population with a frequency below the threshold expected for the associated phenotype(s). Given the available evidence, this variant is classified as Likely Pathogenic.

NM_000170.3(GLDC):c.2820_2824del (p.Arg941fs)

Gene: GLDC (glycine decarboxylase; minus strand). Cytogenetic location: 9p24.1.
Variant type: Deletion.
Coding change: c.2820_2824del on transcript NM_000170.3 (MANE Select); coding-DNA positions 2820 to 2824, 5 bases deleted (CAGGG; older notation c.2820_2824delCAGGG).
Protein change: p.Arg941fs; shifts the reading frame from arginine 941.
Molecular consequence: frameshift variant.
Genome position (GRCh38, 1-based): chr9:6,536,078-6,536,082, CCCTG deleted on the plus strand (CAGGG on the coding strand, the reverse complement: GLDC is on the minus strand). VCF-style (leftmost placement, unchanged base first): chr9-6536077-ACCCTG-A. GRCh37 (hg19) VCF-style: chr9-6536077-ACCCTG-A.
Other names: c.2820_2824delCAGGG, p.Arg941Glnfs (NM_000170.2); short protein forms R941fs.
Identifiers: ClinVar variation 4817860 (VCV004817860.1).